The following is an entry in ClinVar:

NM_000059.4(BRCA2):c.7484_7485insA (p.Ile2495_Lys2496insTer)

Gene: BRCA2 (BRCA2 DNA repair associated; plus strand). Cytogenetic location: 13q13.1.
Variant type: Insertion.
Coding change: c.7484_7485insA on transcript NM_000059.4 (MANE Select); coding-DNA positions 7484 to 7485, A inserted.
Protein change: p.Ile2495_Lys2496insTer.
Molecular consequence: frameshift variant.
Genome position: GRCh38 VCF-style: chr13-32356476-T-TA. GRCh37 (hg19) VCF-style: chr13-32930613-T-TA.
Identifiers: ClinVar variation 548406 (VCV000548406.1), dbSNP rs1555286251, ClinGen allele CA658823746.
Genomic context (GRCh38, chr13:32,356,476, plus strand): 5'-ATTCTTTGATAGATTTAATTACAAGTCTTCAGAATGCCAGAGATATACAGGATATGCGAA[T>TA]TAAGAAGAAACAAAGGCAACGCGTCTTTCCACAGCCAGGCAGTCTGTATCTTGCAAAAAC-3'

ClinVar aggregate classification (germline): Pathogenic (3 of 4 stars; one submission).

Conditions:
Breast-ovarian cancer, familial, susceptibility to, 2 (BROVCA2). Also called: BRCA2 Hereditary Breast and Ovarian Cancer. Identifiers: Orphanet 145, MedGen C2675520, MONDO:0012933, OMIM 612555. Disease mechanism: loss of function.

Submission:

Evidence-based Network for the Interpretation of Germline Mutant Alleles (ENIGMA)
Classification: Pathogenic for Breast-ovarian cancer, familial, susceptibility to, 2. Last evaluated: 2017-12-15. Review status: reviewed by expert panel. Criteria: ENIGMA BRCA1/2 Classification Criteria (2017-06-29). Collection method: curation. Allele origin: germline. Study: ENIGMA.
Comment: Variant allele predicted to encode a truncated non-functional protein.